The following is an entry in ClinVar:

ClinVar aggregate classification (germline): Uncertain significance (1 of 4 stars; one submission).

Conditions:
Gastrointestinal stromal tumor. Also called: Gastrointestinal stromal tumor, somatic; Gastrointestinal stroma tumor. Identifiers: Orphanet 44890, MedGen C0238198, MeSH D046152, MONDO:0011719, OMIM 606764, HP:0100723.

Submission:

Labcorp Genetics (formerly Invitae), Labcorp
Classification: Uncertain significance for Gastrointestinal stromal tumor. Last evaluated: 2019-10-04. Review status: criteria provided, single submitter. Criteria: Invitae Variant Classification Sherloc (09022015). Collection method: clinical testing. Allele origin: germline.
Comment: This variant has not been reported in the literature in individuals with KIT-related conditions. This variant is not present in population databases (ExAC no frequency). This sequence change replaces cysteine with glycine at codon 809 of the KIT protein (p.Cys809Gly). The cysteine residue is highly conserved and there is a large physicochemical difference between cysteine and glycine. Algorithms developed to predict the effect of missense changes on protein structure and function (SIFT, PolyPhen-2, Align-GVGD) all suggest that this variant is likely to be disruptive, but these predictions have not been confirmed by published functional studies and their clinical significance is uncertain. In summary, the available evidence is currently insufficient to determine the role of this variant in disease. Therefore, it has been classified as a Variant of Uncertain Significance.

NM_000222.3(KIT):c.2425T>G (p.Cys809Gly)

Gene: KIT (KIT proto-oncogene, receptor tyrosine kinase; plus strand). Cytogenetic location: 4q12.
Variant type: single nucleotide variant.
Coding change: c.2425T>G on transcript NM_000222.3 (MANE Select); coding-DNA position 2425, T replaced by G.
Protein change: p.Cys809Gly; replaces cysteine 809 with glycine.
Molecular consequence: missense variant.
Genome position (GRCh38, 1-based): chr4:54,733,133, T>G. VCF-style: chr4-54733133-T-G. GRCh37 (hg19) VCF-style: chr4-55599299-T-G.
Other names: c.2413T>G, p.Cys805Gly (NM_001093772.2, NM_001385292.1); c.2428T>G, p.Cys810Gly (NM_001385284.1); c.2422T>G, p.Cys808Gly (NM_001385285.1); c.2410T>G, p.Cys804Gly (NM_001385286.1); c.2416T>G, p.Cys806Gly (NM_001385288.1); c.2425T>G, p.Cys809Gly (NM_001385290.1); short protein forms C805G, C809G, C804G, C806G, C808G, C810G.
Identifiers: ClinVar variation 968671 (VCV000968671.10), dbSNP rs1722711529, ClinGen allele CA356911727.